The following is an entry in ClinVar:

NM_021830.5(TWNK):c.1338C>G (p.Ile446Met)

Gene: TWNK (twinkle mtDNA helicase; plus strand). Cytogenetic location: 10q24.31.
Variant type: single nucleotide variant.
Coding change: c.1338C>G on transcript NM_021830.5 (MANE Select); coding-DNA position 1338, C replaced by G.
Protein change: p.Ile446Met; replaces isoleucine 446 with methionine.
Molecular consequence: missense variant. On other transcripts: 5 prime UTR variant (3), non-coding transcript variant (5).
Genome position (GRCh38, 1-based): chr10:100,989,738, C>G. VCF-style: chr10-100989738-C-G. GRCh37 (hg19) VCF-style: chr10-102749495-C-G.
Other names: p.Ile446Met; c.1338C>G, p.Ile446Met (NM_001163812.2); c.-25C>G (NM_001163813.2, NM_001163814.2, NM_001368275.1); short protein forms I446M.
Identifiers: ClinVar variation 1312836 (VCV001312836.7), dbSNP rs766151894, ClinGen allele CA5653213.

ClinVar aggregate classification (germline): Uncertain significance. Review status: criteria provided, multiple submitters, no conflicts (2 of 4 stars). 5 submissions from 5 submitters: Uncertain significance (5). Last evaluated 2026-02-25.

Conditions:
Perrault syndrome 5 (PRLTS5). Identifiers: Orphanet 2855, MedGen C4015307, MONDO:0014504, OMIM 616138.
Infantile onset spinocerebellar ataxia (MTDPS7). Also called: OPHTHALMOPLEGIA, HYPOTONIA, ATAXIA, HYPOACUSIS, AND ATHETOSIS; OHAHA SYNDROME; SPINOCEREBELLAR ATAXIA, INFANTILE, WITH SENSORY NEUROPATHY; Mitochondrial DNA depletion syndrome 7 (hepatocerebral type). Identifiers: Orphanet 1186, MedGen C1849096, MONDO:0010060, OMIM 271245.
Progressive external ophthalmoplegia with mitochondrial DNA deletions, autosomal dominant 3. Also called: PROGRESSIVE EXTERNAL OPHTHALMOPLEGIA, AUTOSOMAL DOMINANT 3. Identifiers: MedGen C1836439, MONDO:0012241, OMIM 609286.
Sensory ataxic neuropathy, dysarthria, and ophthalmoparesis (SANDO). Also called: SENSORY ATAXIC NEUROPATHY WITH MITOCHONDRIAL DNA DELETIONS, AUTOSOMAL RECESSIVE; Ataxia Neuropathy Spectrum (ANS); Epilepsy, progressive myoclonic, type 5; Sensory ataxic neuropathy-dysarthria-ophthalmoparesis syndrome. Identifiers: Orphanet 70595, MedGen C1843851, MONDO:0011835, OMIM 607459.
Inborn genetic diseases. Identifiers: MedGen C0950123, MeSH D030342.

gnomAD v4.1: 8 of 1,614,082 alleles (0.0005%); highest among the groups gnomAD compares: Admixed American, 0.0067%; no homozygotes.

Submissions (5):

Ambry Genetics
Classification: Uncertain significance for Inborn genetic diseases. Last evaluated: 2026-02-25. Review status: criteria provided, single submitter. Criteria: Ambry Variant Classification Scheme 2023. Collection method: clinical testing. Allele origin: germline.

Labcorp Genetics (formerly Invitae), Labcorp
Classification: Uncertain significance. Last evaluated: 2025-09-13. Review status: criteria provided, single submitter. Criteria: Invitae Variant Classification Sherloc (09022015). Collection method: clinical testing. Allele origin: germline.
Comment: This sequence change replaces isoleucine, which is neutral and non-polar, with methionine, which is neutral and non-polar, at codon 446 of the TWNK protein (p.Ile446Met). This variant is present in population databases (rs766151894, gnomAD 0.006%). This variant has not been reported in the literature in individuals affected with TWNK-related conditions. ClinVar contains an entry for this variant (Variation ID: 1312836). Invitae Evidence Modeling of protein sequence and biophysical properties (such as structural, functional, and spatial information, amino acid conservation, physicochemical variation, residue mobility, and thermodynamic stability) indicates that this missense variant is expected to disrupt TWNK protein function with a positive predictive value of 95%. In summary, the available evidence is currently insufficient to determine the role of this variant in disease. Therefore, it has been classified as a Variant of Uncertain Significance.

Department of Pathology and Laboratory Medicine, Sinai Health System
Classification: Uncertain significance for Infantile onset spinocerebellar ataxia; Sensory ataxic neuropathy, dysarthria, and ophthalmoparesis; Progressive external ophthalmoplegia with mitochondrial DNA deletions, autosomal dominant 3; Perrault syndrome 5. Last evaluated: 2023-01-31. Review status: criteria provided, single submitter. Criteria: ACMG Guidelines, 2015. Collection method: research. Allele origin: germline.

Mayo Clinic Laboratories, Mayo Clinic
Classification: Uncertain significance. Last evaluated: 2022-05-23. Review status: criteria provided, single submitter. Criteria: ACMG Guidelines, 2015. Collection method: clinical testing. Allele origin: germline. Observed: 1 variant allele.
Comment: PP3, PM2

GeneDx
Classification: Uncertain significance. Last evaluated: 2020-06-30. Review status: criteria provided, single submitter. Criteria: GeneDx Variant Classification Process June 2021. Collection method: clinical testing. Allele origin: germline. Affected: yes.
Comment: In silico analysis supports that this missense variant has a deleterious effect on protein structure/function; Has not been previously published as pathogenic or benign to our knowledge